The following is an entry in ClinVar:

ClinVar aggregate classification (germline): Pathogenic (1 of 4 stars; one submission).

Conditions:
Multiple acyl-CoA dehydrogenase deficiency (MADD). Also called: Glutaric acidemia type II; GA 2; Glutaric Acidemia type 2; ETHYLMALONIC-ADIPICACIDURIA; GA II; Glutaric aciduria, type 2. Identifiers: Orphanet 26791, MedGen C0268596, MONDO:0009282, OMIM 231680.

Submission:

Labcorp Genetics (formerly Invitae), Labcorp
Classification: Pathogenic for Multiple acyl-CoA dehydrogenase deficiency. Last evaluated: 2019-02-14. Review status: criteria provided, single submitter. Criteria: Invitae Variant Classification Sherloc (09022015). Collection method: clinical testing. Allele origin: germline.
Comment: This sequence change creates a premature translational stop signal (p.Asp70Metfs*3) in the ETFDH gene. It is expected to result in an absent or disrupted protein product. This variant is not present in population databases (ExAC no frequency). This variant has not been reported in the literature in individuals with ETFDH-related conditions. Loss-of-function variants in ETFDH are known to be pathogenic (PMID: 16510302, 23785301). For these reasons, this variant has been classified as Pathogenic.

Literature cited by the submitters: PubMed 16510302; PubMed 23785301.

NM_004453.4(ETFDH):c.207del (p.Asp70fs)

Gene: ETFDH (electron transfer flavoprotein dehydrogenase; plus strand). Cytogenetic location: 4q32.1.
Variant type: Deletion.
Coding change: c.207del on transcript NM_004453.4 (MANE Select); coding-DNA position 207, one base deleted (A; older notation c.207delA).
Protein change: p.Asp70fs; shifts the reading frame from aspartic acid 70.
Molecular consequence: frameshift variant.
Genome position (GRCh38, 1-based): chr4:158,682,226, A deleted. VCF-style (leftmost placement, unchanged base first): chr4-158682225-CA-C. GRCh37 (hg19) VCF-style: chr4-159603377-CA-C.
Other names: c.66del, p.Asp23fs (NM_001281737.2); c.24del, p.Asp9fs (NM_001281738.1); short protein forms D23fs, D9fs, D70fs.
Identifiers: ClinVar variation 857722 (VCV000857722.8), dbSNP rs1773877563, ClinGen allele CA916082663.